The following is an entry in ClinVar:

ClinVar aggregate classification (germline): Uncertain significance. Review status: criteria provided, multiple submitters, no conflicts (2 of 4 stars). 2 submissions from 2 submitters: Uncertain significance (2). Last evaluated 2025-07-21.

Conditions:
SH2B1-related disorder. Also called: SH2B1-related condition.

Submissions (2):

PreventionGenetics, part of Exact Sciences
Classification: Uncertain significance for SH2B1-related condition. Last evaluated: 2025-07-21. Review status: criteria provided, single submitter. Criteria: ACMG Guidelines, 2015. Collection method: clinical testing. Allele origin: germline.
Comment: The SH2B1 c.3G>T variant is predicted to disrupt the translation initiation site (Start Loss). In the primary transcript listed in the Human Gene Mutation Database (HGMD), this variant results in a missense change (NM_001145795, c.1011G>T, p.Met337Ile). To our knowledge, this variant has not been reported in the literature or in a large population database (gnomAD), indicating this variant is rare. At this time, the clinical significance of this variant is uncertain due to the absence of conclusive functional and genetic evidence.

Labcorp Genetics (formerly Invitae), Labcorp
Classification: Uncertain significance. Last evaluated: 2023-10-13. Review status: criteria provided, single submitter. Criteria: Invitae Variant Classification Sherloc (09022015). Collection method: clinical testing. Allele origin: germline.
Comment: This sequence change replaces methionine, which is neutral and non-polar, with isoleucine, which is neutral and non-polar, at codon 337 of the SH2B1 protein (p.Met337Ile). This variant is not present in population databases (gnomAD no frequency). This variant has not been reported in the literature in individuals affected with SH2B1-related conditions. ClinVar contains an entry for this variant (Variation ID: 1971237). An algorithm developed to predict the effect of missense changes on protein structure and function (PolyPhen-2) suggests that this variant is likely to be disruptive. In summary, the available evidence is currently insufficient to determine the role of this variant in disease. Therefore, it has been classified as a Variant of Uncertain Significance.

NM_001387430.1(SH2B1):c.1011G>T (p.Met337Ile)

Gene: SH2B1 (SH2B adaptor protein 1; plus strand). Cytogenetic location: 16p11.2.
Variant type: single nucleotide variant.
Coding change: c.1011G>T on transcript NM_001387430.1 (MANE Select); coding-DNA position 1011, G replaced by T.
Protein change: p.Met337Ile; replaces methionine 337 with isoleucine.
Molecular consequence: missense variant. On other transcripts: initiator codon variant (1).
Genome position (GRCh38, 1-based): chr16:28,867,402, G>T. VCF-style: chr16-28867402-G-T. GRCh37 (hg19) VCF-style: chr16-28878723-G-T.
Other names: c.1011G>T, p.Met337Ile (NM_001387404.1, NM_015503.3, NM_001145795.2 and 4 more transcripts); c.3G>T (NM_001308294.1); c.3G>T, p.Met1Ile (NM_001308294.2); short protein forms M1I, M337I.
Identifiers: ClinVar variation 1971237 (VCV001971237.7), dbSNP rs1962776613, ClinGen allele CA395425532.
Genomic context (GRCh38, chr16:28,867,402, plus strand): 5'-CCGACTCAGCATCCCCTGCTCTTCTATCACAGACGTCCGGACAACCACAGCCCTGGAGAT[G>T]CCTGACCGGGAGAACACGTTTGTGGTTAAGGTAGGAATTCAACTTCCCAGCCGCCGGCAG-3'
Protein context (NP_001374359.1, residues 327-347): TDVRTTTALE[Met337Ile]PDRENTFVVK